The following is an entry in ClinVar:

ClinVar aggregate classification (germline): Uncertain significance (1 of 4 stars; one submission).

Submission:

GeneDx
Classification: Uncertain significance. Last evaluated: 2024-10-29. Review status: criteria provided, single submitter. Criteria: GeneDx Variant Classification Process June 2021. Collection method: clinical testing. Allele origin: germline. Affected: yes.
Comment: Not observed at significant frequency in large population cohorts (gnomAD); In silico analysis supports that this missense variant has a deleterious effect on protein structure/function; Has not been previously published as pathogenic or benign to our knowledge

NM_001145073.3(USP27X):c.1003A>G (p.Met335Val)

Gene: USP27X (ubiquitin specific peptidase 27 X-linked; plus strand). Cytogenetic location: Xp11.23.
Variant type: single nucleotide variant.
Coding change: c.1003A>G on transcript NM_001145073.3 (MANE Select); coding-DNA position 1003, A replaced by G.
Protein change: p.Met335Val; replaces methionine 335 with valine.
Molecular consequence: missense variant.
Genome position (GRCh38, 1-based): chrX:49,881,310, A>G. VCF-style: chrX-49881310-A-G. GRCh37 (hg19) VCF-style: chrX-49645913-A-G.
Other names: short protein forms M335V.
Identifiers: ClinVar variation 3897343 (VCV003897343.1).
Genomic context (GRCh38, chrX:49,881,310, plus strand): 5'-CATTCAGCGAAACAGAGGCGCAAGATCACTACATACATTTCCTTTCCTCTGGAGCTGGAT[A>G]TGACGCCGTTTATGGCCTCAAGTAAAGAGAGCAGAATGAATGGACAATTGCAGCTGCCAA-3'
Protein context (NP_001138545.1, residues 325-345): TYISFPLELD[Met335Val]TPFMASSKES